The following is an entry in ClinVar:

NM_002693.3(POLG):c.1998G>C (p.Gln666His)

Genes: POLG (DNA polymerase gamma, catalytic subunit; minus strand), POLGARF (POLG alternative reading frame; minus strand). Cytogenetic location: 15q26.1.
Variant type: single nucleotide variant.
Coding change: c.1998G>C on transcript NM_002693.3 (MANE Select); coding-DNA position 1998, G replaced by C.
Protein change: p.Gln666His; replaces glutamine 666 with histidine.
Molecular consequence: missense variant.
Genome position (GRCh38, 1-based): chr15:89,324,179, C>G on the plus strand (G>C on the coding strand, the complement: POLG is on the minus strand). VCF-style: chr15-89324179-C-G. GRCh37 (hg19) VCF-style: chr15-89867410-C-G.
Other names: c.1998G>C, p.Gln666His (NM_001126131.2); short protein forms Q666H.
Identifiers: ClinVar variation 1304988 (VCV001304988.2), dbSNP rs2055439080, ClinGen allele CA393757697.
Genomic context (GRCh38, chr15:89,324,179, plus strand): 5'-GGCACTATTGTCAGTGAGCAGGAACTCCTCCGCCAGGCCGGCCTCCTGGGGCATCAGCTG[C>G]TGCTTCCCCTGTTCGAGACAGTGCTTCCTGTACAGGGACTCGATGGCTCTGGGCAGAGAA-3'
Protein context (NP_002684.1, residues 656-676): YRKHCLEQGK[Gln666His]QLMPQEAGLA

ClinVar aggregate classification (germline): Uncertain significance (1 of 4 stars; one submission).

Allele frequency attached by ClinVar (database versions not stated): TOPMed below 0.00001; gnomAD 0.00001.
gnomAD v4.1: 1 of 1,613,688 alleles (0.000062%); highest among the groups gnomAD compares: Non-Finnish European, 0.000085%; no homozygotes.

Submission:

GeneDx
Classification: Uncertain significance. Last evaluated: 2019-04-08. Review status: criteria provided, single submitter. Criteria: GeneDx Variant Classification Process June 2021. Collection method: clinical testing. Allele origin: germline. Affected: yes.
Comment: Not observed in large population cohorts (Lek et al., 2016); In silico analysis, which includes protein predictors and evolutionary conservation, supports that this variant does not alter protein structure/function; Has not been previously published as pathogenic or benign to our knowledge